The following is an entry in ClinVar:

ClinVar aggregate classification (germline): Benign/Likely benign. Review status: criteria provided, multiple submitters, no conflicts (2 of 4 stars). 7 submissions from 7 submitters: Benign (3); Likely benign (2). 2 of the submissions do not count toward it. Last evaluated 2026-01-31.

Conditions:
SMPD1-related disorder. Also called: SMPD1-related condition.
Niemann-Pick disease, type B. Also called: Chronic Visceral ASMD (Niemann-Pick Disease Type B; NPD-B). Identifiers: Orphanet 77293, MedGen C0268243, MONDO:0011871, OMIM 607616. Disease mechanism: loss of function.
Niemann-Pick disease, type A. Also called: Infantile Neurovisceral ASMD (Niemann-Pick Disease Type A; NPD-A); SPHINGOMYELIN LIPIDOSIS; SPHINGOMYELINASE DEFICIENCY. Identifiers: Orphanet 77292, MedGen C0268242, MONDO:0009756, OMIM 257200. Disease mechanism: loss of function.

Submissions (7):

Labcorp Genetics (formerly Invitae), Labcorp
Classification: Benign for Niemann-Pick disease, type B; Niemann-Pick disease, type A. Last evaluated: 2026-01-31. Review status: criteria provided, single submitter. Criteria: Invitae Variant Classification Sherloc (09022015). Collection method: clinical testing. Allele origin: germline.

Mayo Clinic Laboratories, Mayo Clinic
Classification: Likely benign. Last evaluated: 2025-04-29. Review status: criteria provided, single submitter. Criteria: ACMG Guidelines, 2015. Collection method: clinical testing. Allele origin: germline. Observed: 1 variant allele.
Comment: BS1

Blueprint Genetics
Classification: Likely benign. Last evaluated: 2024-11-25. Review status: criteria provided, single submitter. Criteria: ACMG Guidelines, 2015. Collection method: clinical testing. Allele origin: germline.

Women's Health and Genetics/Laboratory Corporation of America, LabCorp
Classification: Benign. Last evaluated: 2021-05-15. Review status: criteria provided, single submitter. Criteria: LabCorp Variant Classification Summary - May 2015. Collection method: clinical testing. Allele origin: germline.
Comment: Variant summary: SMPD1 c.107_124del18 (p.Val36_Leu41del) results in an in-frame deletion that is predicted to remove six amino acids from the encoded protein. The variant allele was found at a frequency of 0.0014 in 232506 control chromosomes in the gnomAD database, including 3 homozygotes. This frequency is close to that expected for a pathogenic variant in SMPD1 causing Niemann-Pick Disease Type A (0.0014 vs 0.0022), suggestive of a benign outcome. To our knowledge, no occurrence of c.107_124del18 in individuals affected with Niemann-Pick Disease Type A and no experimental evidence demonstrating its impact on protein function have been reported. Two clinical diagnostic laboratories have submitted clinical-significance assessments for this variant to ClinVar after 2014 without evidence for independent evaluation. All laboratories classified the variant as benign. Based on the evidence outlined above, the variant was classified as benign.

Eurofins Ntd Llc (ga)
Classification: Benign. Last evaluated: 2015-02-13. Review status: criteria provided, single submitter. Criteria: EGL Classification Definitions 2015. Collection method: clinical testing. Allele origin: germline. Observed: 1 variant allele, 1 heterozygote.

PreventionGenetics, part of Exact Sciences
Classification: Likely benign for SMPD1-related condition. Last evaluated: 2020-12-04. Review status: no assertion criteria provided. Collection method: clinical testing. Allele origin: germline. Not counted in ClinVar's aggregate classification.
Comment: This variant is classified as likely benign based on ACMG/AMP sequence variant interpretation guidelines (Richards et al. 2015 PMID: 25741868, with internal and published modifications).

Natera, Inc.
Classification: Likely benign for Niemann-Pick Disease, Types A/B. Last evaluated: 2017-05-23. Review status: no assertion criteria provided. Collection method: clinical testing. Allele origin: germline. Not counted in ClinVar's aggregate classification.

NM_000543.5(SMPD1):c.107_124del (p.Val36_Leu41del)

Gene: SMPD1 (sphingomyelin phosphodiesterase 1; plus strand). Cytogenetic location: 11p15.4.
Variant type: Deletion.
Coding change: c.107_124del on transcript NM_000543.5 (MANE Select); coding-DNA positions 107 to 124, 18 bases deleted (TGCTGGCGCTGGCGCTGG).
Protein change: p.Val36_Leu41del.
Molecular consequence: inframe deletion. On other transcripts: 5 prime UTR variant (1), non-coding transcript variant (2).
Genome position (GRCh38, 1-based): chr11:6,390,705-6,390,722, TGCTGGCGCTGGCGCTGG deleted; deleting any 18 consecutive bases within chr11:6,390,701-6,390,722 gives the same sequence; the c. name uses the placement nearest the transcript's 3' end. VCF-style (leftmost placement, unchanged base first): chr11-6390700-CCTGGTGCTGGCGCTGGCG-C. GRCh37 (hg19) VCF-style: chr11-6411930-CCTGGTGCTGGCGCTGGCG-C.
Other names: p.Val36_Leu41del; c.107_124del, p.Val36_Leu41del (NM_001007593.3, NM_001318087.2, NM_001365135.2); c.-855_-838del (NM_001318088.2); c.107_124del18 (NM_000543.4).
Identifiers: ClinVar variation 193114 (VCV000193114.20), dbSNP rs794726889, ClinGen allele CA200326.
Genomic context (GRCh38, chr11:6,390,700, plus strand): 5'-GTCCGGCCGGGAGCAGGGACAAGACGGGACCGCCGGAGCCCCCGGACTCCTTTGGATGGG[CCTGGTGCTGGCGCTGGCG>C]CTGGCGCTGGCGCTGGCGCTGGCTCTGTCTGACTCTCGGGTTCTCTGGGCTCCGGCAGAG-3'